The following is an entry in ClinVar:

ClinVar aggregate classification (germline): Uncertain significance. Review status: criteria provided, multiple submitters, no conflicts (2 of 4 stars). 4 submissions from 4 submitters: Uncertain significance (4). Last evaluated 2025-12-28.

Conditions:
RORB-related disorder. Also called: RORB-related condition.
Inborn genetic diseases. Identifiers: MedGen C0950123, MeSH D030342.

Allele frequency attached by ClinVar (database versions not stated): gnomAD exomes below 0.00001; TOPMed 0.00001.
gnomAD v4.1: 1 of 1,614,216 alleles (0.000062%); highest among the groups gnomAD compares: African/African-American, 0.0013%; no homozygotes.

Submissions (4):

Labcorp Genetics (formerly Invitae), Labcorp
Classification: Uncertain significance. Last evaluated: 2025-12-28. Review status: criteria provided, single submitter. Criteria: Invitae Variant Classification Sherloc (09022015). Collection method: clinical testing. Allele origin: germline.
Comment: This sequence change replaces glutamine, which is neutral and polar, with arginine, which is basic and polar, at codon 107 of the RORB protein (p.Gln107Arg). This variant is present in population databases (no rsID available, gnomAD 0.007%). This variant has not been reported in the literature in individuals affected with RORB-related conditions. ClinVar contains an entry for this variant (Variation ID: 1929872). An algorithm developed to predict the effect of missense changes on protein structure and function (PolyPhen-2) suggests that this variant is likely to be tolerated. In summary, the available evidence is currently insufficient to determine the role of this variant in disease. Therefore, it has been classified as a Variant of Uncertain Significance.

PreventionGenetics, part of Exact Sciences
Classification: Uncertain significance for RORB-related condition. Last evaluated: 2025-06-26. Review status: criteria provided, single submitter. Criteria: ACMG Guidelines, 2015. Collection method: clinical testing. Allele origin: germline.
Comment: The RORB c.320A>G variant is predicted to result in the amino acid substitution p.Gln107Arg. To our knowledge, this variant has not been reported in the literature. This variant is reported in 0.0062% of alleles in individuals of African descent in gnomAD. At this time, the clinical significance of this variant is uncertain due to the absence of conclusive functional and genetic evidence.

Women's Health and Genetics/Laboratory Corporation of America, LabCorp
Classification: Uncertain significance. Last evaluated: 2024-02-14. Review status: criteria provided, single submitter. Criteria: LabCorp Variant Classification Summary - May 2015. Collection method: clinical testing. Allele origin: germline.
Comment: Variant summary: RORB c.320A>G (p.Gln107Arg) results in a conservative amino acid change located in the Retinoid-related orphan receptors, DNA-binding (IPR044101) of the encoded protein sequence. Three of five in-silico tools predict a benign effect of the variant on protein function. The variant allele was found at a frequency of 4e-06 in 248830 control chromosomes. The available data on variant occurrences in the general population are insufficient to allow any conclusion about variant significance. To our knowledge, no occurrence of c.320A>G in individuals affected with Epilepsy, Idiopathic Generalized, Susceptibility To, 15 and no experimental evidence demonstrating its impact on protein function have been reported. ClinVar contains an entry for this variant (Variation ID: 1929872). Based on the evidence outlined above, the variant was classified as uncertain significance.

Ambry Genetics
Classification: Uncertain significance for Inborn genetic diseases. Last evaluated: 2023-01-18. Review status: criteria provided, single submitter. Criteria: Ambry Variant Classification Scheme 2023. Collection method: clinical testing. Allele origin: germline.

NM_006914.4(RORB):c.320A>G (p.Gln107Arg)

Gene: RORB (RAR related orphan receptor B; plus strand). Cytogenetic location: 9q21.13.
Variant type: single nucleotide variant.
Coding change: c.320A>G on transcript NM_006914.4 (MANE Select); coding-DNA position 320, A replaced by G.
Protein change: p.Gln107Arg; replaces glutamine 107 with arginine.
Molecular consequence: missense variant.
Genome position (GRCh38, 1-based): chr9:74,642,498, A>G. VCF-style: chr9-74642498-A-G. GRCh37 (hg19) VCF-style: chr9-77257414-A-G.
Other names: c.320A>G (NM_006914.3); c.353A>G, p.Gln118Arg (NM_001365023.1); short protein forms Q107R, Q118R.
Identifiers: ClinVar variation 1929872 (VCV001929872.10), dbSNP rs920287935, ClinGen allele CA193859224.